The following is an entry in ClinVar:

ClinVar aggregate classification (germline): Uncertain significance (1 of 4 stars; one submission).

Conditions:
Hereditary cancer-predisposing syndrome. Also called: Tumor predisposition; Neoplastic Syndromes, Hereditary; Hereditary neoplastic syndrome; Hereditary Cancer Syndrome. Identifiers: Orphanet 140162, MedGen C0027672, MeSH D009386, MONDO:0015356.

Submission:

Ambry Genetics
Classification: Uncertain significance for Hereditary cancer-predisposing syndrome. Last evaluated: 2024-06-30. Review status: criteria provided, single submitter. Criteria: Ambry Variant Classification Scheme 2023. Collection method: clinical testing. Allele origin: germline.
Comment: The p.Q144H variant (also known as c.432G>C), located in coding exon 3 of the SMARCA4 gene, results from a G to C substitution at nucleotide position 432. The glutamine at codon 144 is replaced by histidine, an amino acid with highly similar properties. This amino acid position is conserved. In addition, this alteration is predicted to be tolerated by in silico analysis. Based on the available evidence, the clinical significance of this variant remains unclear.

NM_003072.5(SMARCA4):c.432G>C (p.Gln144His)

Gene: SMARCA4 (SWI/SNF related BAF chromatin remodeling complex subunit ATPase 4; plus strand). Cytogenetic location: 19p13.2.
Variant type: single nucleotide variant.
Coding change: c.432G>C on transcript NM_003072.5 (MANE Select); coding-DNA position 432, G replaced by C.
Protein change: p.Gln144His; replaces glutamine 144 with histidine.
Molecular consequence: missense variant. On other transcripts: non-coding transcript variant (1).
Genome position (GRCh38, 1-based): chr19:10,986,265, G>C. VCF-style: chr19-10986265-G-C. GRCh37 (hg19) VCF-style: chr19-11096941-G-C.
Other names: c.432G>C, p.Gln144His (NM_001128844.3, NM_001128845.2, NM_001128846.2 and 6 more transcripts); short protein forms Q144H.
Identifiers: ClinVar variation 3445971 (VCV003445971.1).